The following is an entry in ClinVar:

ClinVar aggregate classification (germline): Likely benign. Review status: criteria provided, multiple submitters, no conflicts (2 of 4 stars). 2 submissions from 2 submitters: Likely benign (2). Last evaluated 2018-01-12.

Conditions:
Xeroderma pigmentosum, group F (XPF). Also called: XERODERMA PIGMENTOSUM, TYPE F; Xeroderma pigmentosum, type 6; XERODERMA PIGMENTOSUM, COMPLEMENTATION GROUP F; XERODERMA PIGMENTOSUM VI; XP, GROUP F; ERCC4-Related Xeroderma Pigmentosum. Identifiers: MedGen C0268140, MONDO:0010215, OMIM 278760.

Allele frequency attached by ClinVar (database versions not stated): 1000 Genomes Project 30x 0.00297; 1000 Genomes Project 0.00319; TOPMed 0.00586; gnomAD exomes 0.00682; gnomAD 0.00699 and 0.00713.
gnomAD v4.1: 1,612 of 233,244 alleles (0.69%); highest among the groups gnomAD compares: Non-Finnish European, 1%; 14 homozygotes.

Submissions (2):

Illumina Laboratory Services, Illumina
Classification: Likely benign for Xeroderma pigmentosum, group F. Last evaluated: 2018-01-12. Review status: criteria provided, single submitter. Criteria: ICSL Variant Classification Criteria 13 December 2019. Collection method: clinical testing. Allele origin: germline.
Comment: This variant was observed in the ICSL laboratory as part of a predisposition screen in an ostensibly healthy population. It had not been previously curated by ICSL or reported in the Human Gene Mutation Database (HGMD: prior to June 1st, 2018), and was therefore a candidate for classification through an automated scoring system. Utilizing variant allele frequency, disease prevalence and penetrance estimates, and inheritance mode, an automated score was calculated to assess if this variant is too frequent to cause the disease. Based on the score and internal cut-off values, a variant classified as likely benign is not then subjected to further curation. The score for this variant resulted in a classification of likely benign for this disease.

Breakthrough Genomics
Classification: Likely benign. Review status: criteria provided, single submitter. Criteria: ACMG Guidelines, 2015. Collection method: not provided. Allele origin: germline. Inheritance: Autosomal recessive inheritance. Affected: yes.

NM_005236.3(ERCC4):c.*1056A>G

Gene: ERCC4 (ERCC excision repair 4, endonuclease catalytic subunit; plus strand). Cytogenetic location: 16p13.12.
Variant type: single nucleotide variant.
Coding change: c.*1056A>G on transcript NM_005236.3 (MANE Select); 1056 bases downstream of the stop codon, A replaced by G.
Molecular consequence: 3 prime UTR variant.
Genome position (GRCh38, 1-based): chr16:13,949,403, A>G. VCF-style: chr16-13949403-A-G. GRCh37 (hg19) VCF-style: chr16-14043260-A-G.
Identifiers: ClinVar variation 885044 (VCV000885044.5), dbSNP rs72781468, ClinGen allele CA278486839.